The following is an entry in ClinVar:

ClinVar aggregate classification (germline): Uncertain significance (1 of 4 stars; one submission).

Conditions:
Developmental and epileptic encephalopathy 94 (DEE94). Also called: CHD2-Related Neurodevelopmental Disorders; Epileptic encephalopathy, childhood-onset. Identifiers: Orphanet 1942, Orphanet 2382, MedGen C3809278, MONDO:0014150, OMIM 615369.

Allele frequency attached by ClinVar (database versions not stated): gnomAD 0.00001.
gnomAD v4.1: 1 of 1,598,304 alleles (0.000063%); highest among the groups gnomAD compares: South Asian, 0.0011%; no homozygotes.

Submission:

Labcorp Genetics (formerly Invitae), Labcorp
Classification: Uncertain significance for Developmental and epileptic encephalopathy 94. Last evaluated: 2020-07-31. Review status: criteria provided, single submitter. Criteria: Invitae Variant Classification Sherloc (09022015). Collection method: clinical testing. Allele origin: germline.
Comment: In summary, the available evidence is currently insufficient to determine the role of this variant in disease. Therefore, it has been classified as a Variant of Uncertain Significance. Nucleotide substitutions within the consensus splice site are a relatively common cause of aberrant splicing (PMID: 17576681, 9536098). Algorithms developed to predict the effect of sequence changes on RNA splicing suggest that this variant is not likely to affect RNA splicing, but this prediction has not been confirmed by published transcriptional studies. This variant has not been reported in the literature in individuals with CHD2-related conditions. This variant is not present in population databases (ExAC no frequency). This sequence change falls in intron 12 of the CHD2 gene. It does not directly change the encoded amino acid sequence of the CHD2 protein, but it affects a nucleotide within the consensus splice site of the intron.

Literature cited by the submitters: PubMed 17576681; PubMed 9536098.

NM_001271.4(CHD2):c.1377+6G>A

Gene: CHD2 (chromodomain helicase DNA binding protein 2; plus strand). Cytogenetic location: 15q26.1.
Variant type: single nucleotide variant.
Coding change: c.1377+6G>A on transcript NM_001271.4 (MANE Select); 6 bases into the intron after coding-DNA position 1377, G replaced by A.
Molecular consequence: intron variant.
Genome position (GRCh38, 1-based): chr15:92,946,222, G>A. VCF-style: chr15-92946222-G-A. GRCh37 (hg19) VCF-style: chr15-93489452-G-A.
Other names: c.1377+6G>A (NM_001042572.3).
Identifiers: ClinVar variation 1016768 (VCV001016768.7), dbSNP rs2053464769, ClinGen allele CA393904014.
Genomic context (GRCh38, chr15:92,946,222, plus strand): 5'-TGACAGCTTCCACAGTAGGAACAACTCAAAAACCATCCCAACAAGAGAATGCAAGGTATG[G>A]TGATGGTTGGCTTTTGTTTTTTCAGGGAGAAGATATACTGATAAAGAGGATTGGACACAT-3'